The following is an entry in ClinVar:

ClinVar aggregate classification (germline): Uncertain significance (1 of 4 stars; one submission).

Submission:

Labcorp Genetics (formerly Invitae), Labcorp
Classification: Uncertain significance. Last evaluated: 2023-06-05. Review status: criteria provided, single submitter. Criteria: Invitae Variant Classification Sherloc (09022015). Collection method: clinical testing. Allele origin: germline.
Comment: This variant is a gross deletion of the genomic region encompassing exon(s) 2 of the CLCN7 gene. This variant would be expected to be in-frame, preserving the integrity of the reading frame. In summary, the available evidence is currently insufficient to determine the role of this variant in disease. Therefore, it has been classified as a Variant of Uncertain Significance. Experimental studies and prediction algorithms are not available or were not evaluated, and the functional significance of this variant is currently unknown. This variant has not been reported in the literature in individuals affected with CLCN7-related conditions.

NC_000016.9:g.(?_1515248)_(1515359_?)del

Gene: CLCN7 (chloride voltage-gated channel 7; minus strand). Cytogenetic location: 16p13.3.
Variant type: Deletion.
Identifiers: ClinVar variation 1410407 (VCV001410407.5).